The following is an entry in ClinVar:

ClinVar aggregate classification (germline): Uncertain significance. Review status: criteria provided, multiple submitters, no conflicts (2 of 4 stars). 3 submissions from 3 submitters: Uncertain significance (3). Last evaluated 2024-09-18.

Conditions:
Inborn genetic diseases. Identifiers: MedGen C0950123, MeSH D030342.

Allele frequency attached by ClinVar (database versions not stated): gnomAD exomes below 0.00001 and 0.00001; gnomAD 0.00002; TOPMed 0.00002.
gnomAD v4.1: 17 of 1,613,848 alleles (0.0011%); highest among the groups gnomAD compares: Non-Finnish European, 0.0014%; no homozygotes.

Submissions (3):

Ambry Genetics
Classification: Uncertain significance for Inborn genetic diseases. Last evaluated: 2024-09-18. Review status: criteria provided, single submitter. Criteria: Ambry Variant Classification Scheme 2023. Collection method: clinical testing. Allele origin: germline.

Labcorp Genetics (formerly Invitae), Labcorp
Classification: Uncertain significance. Last evaluated: 2022-10-13. Review status: criteria provided, single submitter. Criteria: Invitae Variant Classification Sherloc (09022015). Collection method: clinical testing. Allele origin: germline.
Comment: Algorithms developed to predict the effect of missense changes on protein structure and function (SIFT, PolyPhen-2, Align-GVGD) all suggest that this variant is likely to be disruptive. In summary, the available evidence is currently insufficient to determine the role of this variant in disease. Therefore, it has been classified as a Variant of Uncertain Significance. ClinVar contains an entry for this variant (Variation ID: 1490451). This variant has not been reported in the literature in individuals affected with NBAS-related conditions. This variant is present in population databases (no rsID available, gnomAD 0.0009%). This sequence change replaces proline, which is neutral and non-polar, with serine, which is neutral and polar, at codon 593 of the NBAS protein (p.Pro593Ser).

Breakthrough Genomics
Classification: Uncertain significance. Review status: criteria provided, single submitter. Criteria: ACMG Guidelines, 2015. Collection method: not provided. Allele origin: germline. Inheritance: Autosomal recessive inheritance. Affected: yes.

NM_015909.4(NBAS):c.1777C>T (p.Pro593Ser)

Gene: NBAS (NBAS subunit of NRZ tethering complex; minus strand). Cytogenetic location: 2p24.3.
Variant type: single nucleotide variant.
Coding change: c.1777C>T on transcript NM_015909.4 (MANE Select); coding-DNA position 1777, C replaced by T.
Protein change: p.Pro593Ser; replaces proline 593 with serine.
Molecular consequence: missense variant. On other transcripts: non-coding transcript variant (1).
Genome position (GRCh38, 1-based): chr2:15,468,482, G>A on the plus strand (C>T on the coding strand, the complement: NBAS is on the minus strand). VCF-style: chr2-15468482-G-A. GRCh37 (hg19) VCF-style: chr2-15608606-G-A.
Other names: c.1777C>T (NM_015909.2); short protein forms P593S.
Identifiers: ClinVar variation 1490451 (VCV001490451.9), dbSNP rs1327090386, ClinGen allele CA345884756.